The following is an entry in ClinVar:

ClinVar aggregate classification (germline): Uncertain significance (1 of 4 stars; one submission).

Conditions:
Kabuki syndrome. Also called: NIIKAWA-KUROKI SYNDROME; Kabuki make-up syndrome. Identifiers: Orphanet 2322, MedGen C0796004, MONDO:0016512.

Submission:

Labcorp Genetics (formerly Invitae), Labcorp
Classification: Uncertain significance for Kabuki syndrome. Last evaluated: 2024-09-19. Review status: criteria provided, single submitter. Criteria: Invitae Variant Classification Sherloc (09022015). Collection method: clinical testing. Allele origin: germline.
Comment: This sequence change replaces serine, which is neutral and polar, with arginine, which is basic and polar, at codon 3879 of the KMT2D protein (p.Ser3879Arg). This variant is not present in population databases (gnomAD no frequency). This variant has not been reported in the literature in individuals affected with KMT2D-related conditions. Invitae Evidence Modeling of protein sequence and biophysical properties (such as structural, functional, and spatial information, amino acid conservation, physicochemical variation, residue mobility, and thermodynamic stability) indicates that this missense variant is not expected to disrupt KMT2D protein function with a negative predictive value of 95%. In summary, the available evidence is currently insufficient to determine the role of this variant in disease. Therefore, it has been classified as a Variant of Uncertain Significance.

NM_003482.4(KMT2D):c.11637T>A (p.Ser3879Arg)

Gene: KMT2D (lysine methyltransferase 2D; minus strand). Cytogenetic location: 12q13.12.
Variant type: single nucleotide variant.
Coding change: c.11637T>A on transcript NM_003482.4 (MANE Select); coding-DNA position 11637, T replaced by A.
Protein change: p.Ser3879Arg; replaces serine 3879 with arginine.
Molecular consequence: missense variant.
Genome position (GRCh38, 1-based): chr12:49,033,068, A>T on the plus strand (T>A on the coding strand, the complement: KMT2D is on the minus strand). VCF-style: chr12-49033068-A-T. GRCh37 (hg19) VCF-style: chr12-49426851-A-T.
Other names: short protein forms S3879R.
Identifiers: ClinVar variation 3614791 (VCV003614791.2).